The following is an entry in ClinVar:

ClinVar aggregate classification (germline): Uncertain significance. Review status: criteria provided, multiple submitters, no conflicts (2 of 4 stars). 3 submissions from 3 submitters: Uncertain significance (3). Last evaluated 2025-08-22.

Conditions:
Inborn genetic diseases. Identifiers: MedGen C0950123, MeSH D030342.
NFKB2-related disorder. Also called: NFKB2-related condition.
Immunodeficiency, common variable, 10. Also called: DEFICIT IN ANTERIOR PITUITARY FUNCTION AND VARIABLE IMMUNODEFICIENCY; IMMUNODEFICIENCY, COMMON VARIABLE, WITH CENTRAL ADRENAL INSUFFICIENCY. Identifiers: MedGen C3809991, MONDO:0014260, OMIM 615577.

Allele frequency attached by ClinVar (database versions not stated): TOPMed below 0.00001; gnomAD 0.00001; gnomAD exomes 0.00003.

Submissions (3):

Ambry Genetics
Classification: Uncertain significance for Inborn genetic diseases. Last evaluated: 2025-08-22. Review status: criteria provided, single submitter. Criteria: Ambry Variant Classification Scheme 2023. Collection method: clinical testing. Allele origin: germline.

Labcorp Genetics (formerly Invitae), Labcorp
Classification: Uncertain significance for Immunodeficiency, common variable, 10. Last evaluated: 2023-12-02. Review status: criteria provided, single submitter. Criteria: Invitae Variant Classification Sherloc (09022015). Collection method: clinical testing. Allele origin: germline.
Comment: This sequence change replaces arginine, which is basic and polar, with glycine, which is neutral and non-polar, at codon 456 of the NFKB2 protein (p.Arg456Gly). This variant is present in population databases (rs754990357, gnomAD 0.002%). This variant has not been reported in the literature in individuals affected with NFKB2-related conditions. ClinVar contains an entry for this variant (Variation ID: 1904013). An algorithm developed to predict the effect of missense changes on protein structure and function (PolyPhen-2) suggests that this variant is likely to be disruptive. In summary, the available evidence is currently insufficient to determine the role of this variant in disease. Therefore, it has been classified as a Variant of Uncertain Significance.

PreventionGenetics, part of Exact Sciences
Classification: Uncertain significance for NFKB2-related condition. Last evaluated: 2023-05-05. Review status: criteria provided, single submitter. Criteria: ACMG Guidelines, 2015. Collection method: clinical testing. Allele origin: germline.
Comment: The NFKB2 c.1366C>G variant is predicted to result in the amino acid substitution p.Arg456Gly. To our knowledge, this variant has not been reported in the literature. This variant is reported in 0.0020% of alleles in individuals of European (Non-Finnish) descent in gnomAD. At this time, the clinical significance of this variant is uncertain due to the absence of conclusive functional and genetic evidence.

NM_001322934.2(NFKB2):c.1366C>G (p.Arg456Gly)

Gene: NFKB2 (nuclear factor kappa B subunit 2; plus strand). Cytogenetic location: 10q24.32.
Variant type: single nucleotide variant.
Coding change: c.1366C>G on transcript NM_001322934.2 (MANE Select); coding-DNA position 1366, C replaced by G.
Protein change: p.Arg456Gly; replaces arginine 456 with glycine.
Molecular consequence: missense variant.
Genome position (GRCh38, 1-based): chr10:102,399,615, C>G. VCF-style: chr10-102399615-C-G. GRCh37 (hg19) VCF-style: chr10-104159372-C-G.
Other names: c.1366C>G (NM_001077494.1); c.1366C>G, p.Arg456Gly (NM_001077493.1, NM_001077494.3, NM_001261403.3 and 2 more transcripts); c.1240C>G, p.Arg414Gly (NM_001322935.1); short protein forms R414G, R456G.
Identifiers: ClinVar variation 1904013 (VCV001904013.7), dbSNP rs754990357, ClinGen allele CA5664807.